The following is an entry in ClinVar:

NM_130847.3(AMOTL1):c.2341G>A (p.Gly781Arg)

Gene: AMOTL1 (angiomotin like 1; plus strand). Cytogenetic location: 11q21.
Variant type: single nucleotide variant.
Coding change: c.2341G>A on transcript NM_130847.3 (MANE Select); coding-DNA position 2341, G replaced by A.
Protein change: p.Gly781Arg; replaces glycine 781 with arginine.
Molecular consequence: missense variant.
Genome position (GRCh38, 1-based): chr11:94,866,021, G>A. VCF-style: chr11-94866021-G-A. GRCh37 (hg19) VCF-style: chr11-94599186-G-A.
Other names: c.2191G>A, p.Gly731Arg (NM_001301007.2); short protein forms G731R, G781R.
Identifiers: ClinVar variation 4083762 (VCV004083762.8).

ClinVar aggregate classification (germline): Likely benign (1 of 4 stars; one submission).

gnomAD v4.1: 1,811 of 1,613,882 alleles (0.11%); highest among the groups gnomAD compares: Non-Finnish European, 0.12%; 3 homozygotes.

Submission:

CeGaT Center for Human Genetics Tuebingen
Classification: Likely benign. Last evaluated: 2025-08-01. Review status: criteria provided, single submitter. Criteria: CeGaT Center For Human Genetics Tuebingen Variant Classification Criteria Version 2. Collection method: clinical testing. Allele origin: germline. Affected: yes. Observed: 1 variant allele.
Comment: AMOTL1: BS2